The following is an entry in ClinVar:

ClinVar aggregate classification (germline): Likely pathogenic (1 of 4 stars; one submission).

Conditions:
Growth delay due to insulin-like growth factor I resistance. Also called: Somatomedin end-organ insensitivity to; Somatomedin-c resistance to; IGF-1 resistance; IGF-I RESISTANCE; Insulin-Like Growth Factor I Resistance. Identifiers: Orphanet 73273, MedGen C1849157, MONDO:0010038, OMIM 270450.

Submission:

MVZ Medizinische Genetik Mainz
Classification: Likely pathogenic for Growth delay due to insulin-like growth factor I resistance. Last evaluated: 2024-12-12. Review status: criteria provided, single submitter. Criteria: UK Practice Guidelines For Variant Classification V4 01 2020. Collection method: clinical testing. Allele origin: germline. Inheritance: Autosomal dominant inheritance. Affected: yes. Observed: 1 variant allele.
Comment: ACMG Criteria: PVS1,PM2_SUP

NM_000875.5(IGF1R):c.699dup (p.Glu234fs)

Gene: IGF1R (insulin like growth factor 1 receptor; plus strand). Cytogenetic location: 15q26.3.
Variant type: Duplication.
Coding change: c.699dup on transcript NM_000875.5 (MANE Select); coding-DNA position 699, one base duplicated (C; older notation c.699dupC).
Protein change: p.Glu234fs; shifts the reading frame from glutamic acid 234.
Molecular consequence: frameshift variant.
Genome position (GRCh38, 1-based): chr15:98,891,383, C duplicated; the last of 4 consecutive C bases (chr15:98,891,380-98,891,383); duplicating any one gives the same sequence. VCF-style (leftmost placement, unchanged base first): chr15-98891379-A-AC. GRCh37 (hg19) VCF-style: chr15-99434608-A-AC.
Other names: c.699dup, p.Glu234fs (NM_001291858.2); short protein forms E234fs.
Identifiers: ClinVar variation 3392552 (VCV003392552.1).